The following is an entry in ClinVar:

ClinVar aggregate classification (germline): Uncertain significance (1 of 4 stars; one submission).

gnomAD v4.1: 2 of 1,575,268 alleles (0.00013%); highest among the groups gnomAD compares: Non-Finnish European, 0.00017%; no homozygotes.

Submission:

GeneDx
Classification: Uncertain significance. Last evaluated: 2024-05-10. Review status: criteria provided, single submitter. Criteria: GeneDx Variant Classification Process June 2021. Collection method: clinical testing. Allele origin: germline. Affected: yes.
Comment: Not observed at significant frequency in large population cohorts (gnomAD); In silico analysis supports that this missense variant has a deleterious effect on protein structure/function; Identified in an individual with a neurodevelopmental disorder; however, additional details and inheritance were not provided (PMID: 28191889, 33004838); This variant is associated with the following publications: (PMID: 27535533, 33004838, 28191889)

NM_016628.5(WAC):c.1766A>G (p.Glu589Gly)

Gene: WAC (WW domain containing adaptor with coiled-coil; plus strand). Cytogenetic location: 10p12.1.
Variant type: single nucleotide variant.
Coding change: c.1766A>G on transcript NM_016628.5 (MANE Select); coding-DNA position 1766, A replaced by G.
Protein change: p.Glu589Gly; replaces glutamic acid 589 with glycine.
Molecular consequence: missense variant.
Genome position (GRCh38, 1-based): chr10:28,617,676, A>G. VCF-style: chr10-28617676-A-G. GRCh37 (hg19) VCF-style: chr10-28906605-A-G.
Other names: c.1631A>G, p.Glu544Gly (NM_100264.3); c.1457A>G, p.Glu486Gly (NM_100486.4); short protein forms E486G, E544G, E589G.
Identifiers: ClinVar variation 3375777 (VCV003375777.1).